The following is an entry in ClinVar:

ClinVar aggregate classification (germline): Uncertain significance (1 of 4 stars; one submission).

Allele frequency attached by ClinVar (database versions not stated): TOPMed below 0.00001; gnomAD 0.00001; gnomAD exomes 0.00001; ExAC 0.00002.
gnomAD v4.1: 10 of 1,611,830 alleles (0.00062%); highest among the groups gnomAD compares: Non-Finnish European, 0.00085%; no homozygotes.

Submission:

Labcorp Genetics (formerly Invitae), Labcorp
Classification: Uncertain significance. Last evaluated: 2025-12-01. Review status: criteria provided, single submitter. Criteria: Invitae Variant Classification Sherloc (09022015). Collection method: clinical testing. Allele origin: germline.
Comment: This sequence change replaces glutamine, which is neutral and polar, with arginine, which is basic and polar, at codon 199 of the EARS2 protein (p.Gln199Arg). This variant is present in population databases (rs759111019, gnomAD 0.003%). This missense change has been observed in individual(s) with EARS2-related conditions (PMID: 33128823). ClinVar contains an entry for this variant (Variation ID: 1429093). Invitae Evidence Modeling of protein sequence and biophysical properties (such as structural, functional, and spatial information, amino acid conservation, physicochemical variation, residue mobility, and thermodynamic stability) indicates that this missense variant is not expected to disrupt EARS2 protein function with a negative predictive value of 95%. In summary, the available evidence is currently insufficient to determine the role of this variant in disease. Therefore, it has been classified as a Variant of Uncertain Significance.

Literature cited by the submitters: PubMed 33128823.

NM_001083614.2(EARS2):c.596A>G (p.Gln199Arg)

Gene: EARS2 (glutamyl-tRNA synthetase 2, mitochondrial; minus strand). Cytogenetic location: 16p12.2.
Variant type: single nucleotide variant.
Coding change: c.596A>G on transcript NM_001083614.2 (MANE Select); coding-DNA position 596, A replaced by G.
Protein change: p.Gln199Arg; replaces glutamine 199 with arginine.
Molecular consequence: missense variant. On other transcripts: non-coding transcript variant (1).
Genome position (GRCh38, 1-based): chr16:23,535,250, T>C on the plus strand (A>G on the coding strand, the complement: EARS2 is on the minus strand). VCF-style: chr16-23535250-T-C. GRCh37 (hg19) VCF-style: chr16-23546571-T-C.
Other names: c.596A>G, p.Gln199Arg (NM_001308211.1); short protein forms Q199R.
Identifiers: ClinVar variation 1429093 (VCV001429093.8), dbSNP rs759111019, ClinGen allele CA7962539.